The following is an entry in ClinVar:

NM_001267550.2(TTN):c.14459G>A (p.Gly4820Glu)

Gene: TTN (titin; minus strand). Cytogenetic location: 2q31.2.
Variant type: single nucleotide variant.
Coding change: c.14459G>A on transcript NM_001267550.2 (MANE Select); coding-DNA position 14459, G replaced by A.
Protein change: p.Gly4820Glu; replaces glycine 4820 with glutamic acid.
Molecular consequence: missense variant. On other transcripts: intron variant (3).
Genome position (GRCh38, 1-based): chr2:178,735,987, C>T on the plus strand (G>A on the coding strand, the complement: TTN is on the minus strand). VCF-style: chr2-178735987-C-T. GRCh37 (hg19) VCF-style: chr2-179600714-C-T.
Other names: c.13508G>A, p.Gly4503Glu (NM_001256850.1); c.10727G>A, p.Gly3576Glu (NM_133378.4); c.13282+2095G>A (NM_003319.4); c.13858+2095G>A (NM_133437.4); c.13657+2095G>A (NM_133432.3); short protein forms G3576E, G4503E, G4820E.
Identifiers: ClinVar variation 2437961 (VCV002437961.4), dbSNP rs376364888, ClinGen allele CA2002394.

ClinVar aggregate classification (germline): Uncertain significance. Review status: criteria provided, multiple submitters, no conflicts (2 of 4 stars). 2 submissions from 2 submitters: Uncertain significance (2). Last evaluated 2026-06-18.

Conditions:
TTN-related disorder. Also called: TTN-related condition; TTN-related disease; TTN-related disorders.

Allele frequency attached by ClinVar (database versions not stated): gnomAD 0.00001; gnomAD exomes 0.00001; TOPMed 0.00003; ExAC 0.00004; ESP Exome Variant Server 0.00016.
gnomAD v4.1: 21 of 1,613,590 alleles (0.0013%); highest among the groups gnomAD compares: Middle Eastern, 0.016%; no homozygotes.

Submissions (2):

PreventionGenetics, part of Exact Sciences
Classification: Uncertain significance for TTN-related condition. Last evaluated: 2026-06-18. Review status: criteria provided, single submitter. Criteria: ACMG Guidelines, 2015. Collection method: clinical testing. Allele origin: germline.
Comment: The TTN c.14459G>A variant is predicted to result in the amino acid substitution p.Gly4820Glu. To our knowledge, this variant has not been reported in the literature. This variant is reported in 0.0031% of alleles in individuals of European (Non-Finnish) descent in gnomAD. At this time, the clinical significance of this variant is uncertain due to the absence of conclusive functional and genetic evidence.

Revvity Omics, Revvity
Classification: Uncertain significance. Last evaluated: 2022-01-18. Review status: criteria provided, single submitter. Criteria: ACMG Guidelines, 2015. Collection method: clinical testing. Allele origin: germline.